The following is an entry in ClinVar:

NM_030957.4(ADAMTS10):c.1587+6C>A

Gene: ADAMTS10 (ADAM metallopeptidase with thrombospondin type 1 motif 10; minus strand). Cytogenetic location: 19p13.2.
Variant type: single nucleotide variant.
Coding change: c.1587+6C>A on transcript NM_030957.4 (MANE Select); 6 bases into the intron after coding-DNA position 1587, C replaced by A.
Molecular consequence: intron variant.
Genome position (GRCh38, 1-based): chr19:8,592,757, G>T on the plus strand (C>A on the coding strand, the complement: ADAMTS10 is on the minus strand). VCF-style: chr19-8592757-G-T. GRCh37 (hg19) VCF-style: chr19-8657641-G-T.
Identifiers: ClinVar variation 1054458 (VCV001054458.10), dbSNP rs922648355, ClinGen allele CA631367770.

ClinVar aggregate classification (germline): Uncertain significance. Review status: criteria provided, multiple submitters, no conflicts (2 of 4 stars). 2 submissions from 2 submitters: Uncertain significance (2). Last evaluated 2023-04-21.

gnomAD v4.1: 6 of 1,609,094 alleles (0.00037%); highest among the groups gnomAD compares: African/African-American, 0.004%; 1 homozygote.

Submissions (2):

Clinical Genetics Laboratory, Skane University Hospital Lund
Classification: Uncertain significance. Last evaluated: 2023-04-21. Review status: criteria provided, single submitter. Criteria: ACMG Guidelines, 2015. Collection method: clinical testing. Allele origin: germline. Affected: yes.

Labcorp Genetics (formerly Invitae), Labcorp
Classification: Uncertain significance. Last evaluated: 2020-09-10. Review status: criteria provided, single submitter. Criteria: Invitae Variant Classification Sherloc (09022015). Collection method: clinical testing. Allele origin: germline.
Comment: Nucleotide substitutions within the consensus splice site are a relatively common cause of aberrant splicing (PMID: 17576681, 9536098). Algorithms developed to predict the effect of sequence changes on RNA splicing suggest that this variant may disrupt the consensus splice site, but this prediction has not been confirmed by published transcriptional studies. This sequence change falls in intron 13 of the ADAMTS10 gene. It does not directly change the encoded amino acid sequence of the ADAMTS10 protein, but it affects a nucleotide within the consensus splice site of the intron. This variant is not present in population databases (ExAC no frequency). This variant has not been reported in the literature in individuals with ADAMTS10-related disease. In summary, the available evidence is currently insufficient to determine the role of this variant in disease. Therefore, it has been classified as a Variant of Uncertain Significance.

Literature cited by the submitters: PubMed 17576681 (cited by Labcorp Genetics (formerly Invitae), Labcorp); PubMed 9536098 (cited by Labcorp Genetics (formerly Invitae), Labcorp).